The following is an entry in ClinVar:

NM_000334.4(SCN4A):c.4601C>T (p.Thr1534Met)

Genes: GH-LCR (growth hormone locus control region; plus strand), SCN4A (sodium voltage-gated channel alpha subunit 4; minus strand). Cytogenetic location: 17q23.3.
Variant type: single nucleotide variant.
Coding change: c.4601C>T on transcript NM_000334.4 (MANE Select); coding-DNA position 4601, C replaced by T.
Protein change: p.Thr1534Met; replaces threonine 1534 with methionine.
Molecular consequence: missense variant.
Genome position (GRCh38, 1-based): chr17:63,941,681, G>A on the plus strand (C>T on the coding strand, the complement: SCN4A is on the minus strand). VCF-style: chr17-63941681-G-A. GRCh37 (hg19) VCF-style: chr17-62019041-G-A.
Other names: short protein forms T1534M.
Identifiers: ClinVar variation 657453 (VCV000657453.17), dbSNP rs939785324, ClinGen allele CA292957030.

ClinVar aggregate classification (germline): Uncertain significance. Review status: criteria provided, multiple submitters, no conflicts (2 of 4 stars). 3 submissions from 3 submitters: Uncertain significance (3). Last evaluated 2022-09-01.

Conditions:
Hyperkalemic periodic paralysis. Also called: Familial hyperkalemic periodic paralysis; Gamstorp disease. Identifiers: Orphanet 682, MedGen C0238357, MONDO:0008224, OMIM 170500, HP:0007215.
Inborn genetic diseases. Identifiers: MedGen C0950123, MeSH D030342.

Allele frequency attached by ClinVar (database versions not stated): gnomAD exomes below 0.00001 and 0.00001; gnomAD 0.00001; TOPMed 0.00002.

Submissions (3):

Labcorp Genetics (formerly Invitae), Labcorp
Classification: Uncertain significance for Hyperkalemic periodic paralysis. Last evaluated: 2022-09-01. Review status: criteria provided, single submitter. Criteria: Invitae Variant Classification Sherloc (09022015). Collection method: clinical testing. Allele origin: germline.
Comment: Algorithms developed to predict the effect of missense changes on protein structure and function (SIFT, PolyPhen-2, Align-GVGD) all suggest that this variant is likely to be disruptive. In summary, the available evidence is currently insufficient to determine the role of this variant in disease. Therefore, it has been classified as a Variant of Uncertain Significance. ClinVar contains an entry for this variant (Variation ID: 657453). This missense change has been observed in individual(s) with clinical features of SCN4A-related conditions (Invitae). This variant is present in population databases (no rsID available, gnomAD 0.004%). This sequence change replaces threonine, which is neutral and polar, with methionine, which is neutral and non-polar, at codon 1534 of the SCN4A protein (p.Thr1534Met).

Revvity Omics, Revvity
Classification: Uncertain significance. Last evaluated: 2019-09-17. Review status: criteria provided, single submitter. Criteria: ACMG Guidelines, 2015. Collection method: clinical testing. Allele origin: germline.

Ambry Genetics
Classification: Uncertain significance for Inborn genetic diseases. Last evaluated: 2018-09-10. Review status: criteria provided, single submitter. Criteria: Ambry exome assertion method (8-5-2015). Collection method: clinical testing. Allele origin: germline. Affected: yes. Observed: 1 variant allele.

Literature cited by the submitters: PubMed 26633542 (cited by Ambry Genetics).